The following is an entry in ClinVar:

NM_033305.3(VPS13A):c.9181_9182dup (p.Met3061fs)

Gene: VPS13A (vacuolar protein sorting 13 homolog A; plus strand). Cytogenetic location: 9q21.2.
Variant type: Duplication.
Coding change: c.9181_9182dup on transcript NM_033305.3 (MANE Select); coding-DNA positions 9181 to 9182, 2 bases duplicated (AT; older notation c.9181_9182dupAT).
Protein change: p.Met3061fs; shifts the reading frame from methionine 3061.
Molecular consequence: frameshift variant.
Genome position (GRCh38, 1-based): chr9:77,382,079-77,382,080, AT duplicated. VCF-style (leftmost placement, unchanged base first): chr9-77382078-A-AAT. GRCh37 (hg19) VCF-style: chr9-79996994-A-AAT.
Other names: c.9064_9065dup, p.Met3022fs (NM_001018037.2); c.9181_9182dup, p.Met3061fs (NM_001018038.3, NM_015186.4); short protein forms M3022fs, M3061fs.
Identifiers: ClinVar variation 2790582 (VCV002790582.3), dbSNP rs2538255928, ClinGen allele CA2690376633.

ClinVar aggregate classification (germline): Pathogenic (1 of 4 stars; one submission).

Allele frequency attached by ClinVar (database versions not stated): gnomAD exomes below 0.00001.

Submission:

Labcorp Genetics (formerly Invitae), Labcorp
Classification: Pathogenic. Last evaluated: 2023-02-26. Review status: criteria provided, single submitter. Criteria: Invitae Variant Classification Sherloc (09022015). Collection method: clinical testing. Allele origin: germline.
Comment: For these reasons, this variant has been classified as Pathogenic. This variant has not been reported in the literature in individuals affected with VPS13A-related conditions. This sequence change creates a premature translational stop signal (p.Met3061Ilefs*21) in the VPS13A gene. It is expected to result in an absent or disrupted protein product. Loss-of-function variants in VPS13A are known to be pathogenic (PMID: 12404112, 21598378). This variant is not present in population databases (gnomAD no frequency).

Literature cited by the submitters: PubMed 12404112; PubMed 21598378.